The following is an entry in ClinVar:

ClinVar aggregate classification (germline): Uncertain significance (1 of 4 stars; one submission).

Submission:

Ambry Genetics
Classification: Uncertain significance. Last evaluated: 2024-06-29. Review status: criteria provided, single submitter. Criteria: Ambry Variant Classification Scheme 2023. Collection method: clinical testing. Allele origin: germline.
Comment: The p.S1213I variant (also known as c.3638G>T), located in coding exon 32 of the KIF1B gene, results from a G to T substitution at nucleotide position 3638. The serine at codon 1213 is replaced by isoleucine, an amino acid with dissimilar properties. This amino acid position is conserved. In addition, this alteration is predicted to be deleterious by in silico analysis. Based on the available evidence, the clinical significance of this variant remains unclear.

NM_001365951.3(KIF1B):c.3776G>T (p.Ser1259Ile)

Gene: KIF1B (kinesin family member 1B; plus strand). Cytogenetic location: 1p36.22.
Variant type: single nucleotide variant.
Coding change: c.3776G>T on transcript NM_001365951.3 (MANE Select); coding-DNA position 3776, G replaced by T.
Protein change: p.Ser1259Ile; replaces serine 1259 with isoleucine.
Molecular consequence: missense variant.
Genome position (GRCh38, 1-based): chr1:10,345,932, G>T. VCF-style: chr1-10345932-G-T. GRCh37 (hg19) VCF-style: chr1-10405990-G-T.
Other names: c.3776G>T, p.Ser1259Ile (NM_001365952.1); c.3638G>T, p.Ser1213Ile (NM_015074.3); short protein forms S1213I, S1259I.
Identifiers: ClinVar variation 3533869 (VCV003533869.1).
Genomic context (GRCh38, chr1:10,345,932, plus strand): 5'-GCAAAACCAGCCTTGGCCAGAGCATGAGCAAGTATGACCTCCTGGTTTGGTTTGAGATCA[G>T]TGAACTGGAGCCTACAGGAGAGTAAGTCCAACTTAATAAATTTTTAAATAAGGCAAAATG-3'
Protein context (NP_001352880.1, residues 1249-1269): KYDLLVWFEI[Ser1259Ile]ELEPTGEYIP